The following is an entry in ClinVar:

ClinVar aggregate classification (germline): Benign. Review status: criteria provided, multiple submitters, no conflicts (2 of 4 stars). 2 submissions from 2 submitters: Benign (2). Last evaluated 2018-06-19.

Allele frequency attached by ClinVar (database versions not stated): gnomAD exomes 0.16785; 1000 Genomes Project 0.22604; gnomAD 0.24540 and 0.25526; TOPMed 0.26481.
gnomAD v4.1: 170,041 of 939,390 alleles (18%); highest among the groups gnomAD compares: African/African-American, 46%; 18,761 homozygotes.

Submissions (2):

GeneDx
Classification: Benign. Last evaluated: 2018-06-19. Review status: criteria provided, single submitter. Criteria: GeneDx Variant Classification (06012015). Collection method: clinical testing. Allele origin: germline. Affected: yes.
Comment: This variant is considered likely benign or benign based on one or more of the following criteria: it is a conservative change, it occurs at a poorly conserved position in the protein, it is predicted to be benign by multiple in silico algorithms, and/or has population frequency not consistent with disease.

Breakthrough Genomics
Classification: Benign. Review status: criteria provided, single submitter. Criteria: ACMG Guidelines, 2015. Collection method: not provided. Allele origin: germline. Inheritance: Autosomal recessive inheritance. Affected: yes.

NM_173660.5(DOK7):c.533-167A>G

Genes: DOK7 (docking protein 7; plus strand), LOC126806951 (CDK7 strongly-dependent group 2 enhancer GRCh37_chr4:3486115-3487314; plus strand). Cytogenetic location: 4p16.3.
Variant type: single nucleotide variant.
Coding change: c.533-167A>G on transcript NM_173660.5 (MANE Select); 167 bases into the intron before coding-DNA position 533, A replaced by G.
Molecular consequence: intron variant.
Genome position (GRCh38, 1-based): chr4:3,485,372, A>G. VCF-style: chr4-3485372-A-G. GRCh37 (hg19) VCF-style: chr4-3487099-A-G.
Other names: c.533-167A>G (NM_001301071.2); c.101-167A>G (NM_001363811.2); c.522-167A>G (NM_001164673.2); c.-398-167A>G (NM_001256896.2).
Identifiers: ClinVar variation 679326 (VCV000679326.2), dbSNP rs28706421, ClinGen allele CA11821513.
Genomic context (GRCh38, chr4:3,485,372, plus strand): 5'-GGCTCTGGGGACCCAGCTTCACAGAGCCAGGTGGGGTGTCGGCTCTGGGCACCCGGATTC[A>G]CGGGGCCAGGCGGGGTGTCGGCTCTGGGCATCTGACTTCGTGGGGCCAGGCAGGGTGTCA-3'